The following is an entry in ClinVar:

ClinVar aggregate classification (germline): Pathogenic (1 of 4 stars; one submission).

Conditions:
Duchenne muscular dystrophy (DMD). Also called: MUSCULAR DYSTROPHY, PSEUDOHYPERTROPHIC PROGRESSIVE, DUCHENNE TYPE; Duchenne Muscular Dystrophy (DMD). Identifiers: Orphanet 98896, MedGen C0013264, MONDO:0010679, OMIM 310200.

Submission:

Labcorp Genetics (formerly Invitae), Labcorp
Classification: Pathogenic for Duchenne muscular dystrophy. Last evaluated: 2025-10-09. Review status: criteria provided, single submitter. Criteria: Invitae Variant Classification Sherloc (09022015). Collection method: clinical testing. Allele origin: germline.
Comment: This sequence change creates a premature translational stop signal (p.Asp2490Glufs*13) in the DMD gene. It is expected to result in an absent or disrupted protein product. Loss-of-function variants in DMD are known to be pathogenic (PMID: 16770791, 25007885). Information on the frequency of this variant in the gnomAD database is not available, as this variant may be reported differently in the database. This premature translational stop signal has been observed in individual(s) with clinical features of DMD-related conditions (PMID: 25125379). For these reasons, this variant has been classified as Pathogenic.

Literature cited by the submitters: PubMed 16770791; PubMed 25007885; PubMed 25125379.

NM_004006.3(DMD):c.7470delinsAA (p.Asp2490fs)

Gene: DMD (dystrophin; minus strand). Cytogenetic location: Xp21.1.
Variant type: Indel.
Coding change: c.7470delinsAA on transcript NM_004006.3 (MANE Select); coding-DNA position 7470, T replaced by AA.
Protein change: p.Asp2490fs; shifts the reading frame from aspartic acid 2490.
Molecular consequence: frameshift variant.
Genome position (GRCh38, 1-based): chrX:31,774,032, A replaced by TT on the plus strand (T replaced by AA on the coding strand, the reverse complement: DMD is on the minus strand). VCF-style: chrX-31774032-A-TT. GRCh37 (hg19) VCF-style: chrX-31792149-A-TT.
Other names: c.7446delinsAA, p.Asp2482fs (NM_000109.4); c.7458delinsAA, p.Asp2486fs (NM_004009.3); c.7101delinsAA, p.Asp2367fs (NM_004010.3); c.3447delinsAA, p.Asp1149fs (NM_004011.4); c.3438delinsAA, p.Asp1146fs (NM_004012.4); c.90delinsAA, p.Asp30fs (NM_004013.3, NM_004020.4, NM_004021.3 and 2 more transcripts); short protein forms D1146fs, D2490fs, D2482fs, D1149fs, D2367fs, D2486fs, D30fs.
Identifiers: ClinVar variation 4728867 (VCV004728867.1).